The following is an entry in ClinVar:

ClinVar aggregate classification (germline): Uncertain significance (1 of 4 stars; one submission).

Conditions:
KIDINS220-related disorder. Also called: KIDINS220-related condition.

gnomAD v4.1: 1 of 1,613,752 alleles (0.000062%); highest among the groups gnomAD compares: Non-Finnish European, 0.000085%; no homozygotes.

Submission:

PreventionGenetics, part of Exact Sciences
Classification: Uncertain significance for KIDINS220-related condition. Last evaluated: 2025-06-12. Review status: criteria provided, single submitter. Criteria: ACMG Guidelines, 2015. Collection method: clinical testing. Allele origin: germline.
Comment: The KIDINS220 c.1526G>T variant is predicted to result in the amino acid substitution p.Cys509Phe. To our knowledge, this variant has not been reported in the literature. This variant is reported in 0.00088% of alleles in individuals of European (Non-Finnish) descent in gnomAD. At this time, the clinical significance of this variant is uncertain due to the absence of conclusive functional and genetic evidence.

NM_020738.4(KIDINS220):c.1526G>T (p.Cys509Phe)

Gene: KIDINS220 (kinase D interacting substrate 220; minus strand). Cytogenetic location: 2p25.1.
Variant type: single nucleotide variant.
Coding change: c.1526G>T on transcript NM_020738.4 (MANE Select); coding-DNA position 1526, G replaced by T.
Protein change: p.Cys509Phe; replaces cysteine 509 with phenylalanine.
Molecular consequence: missense variant. On other transcripts: non-coding transcript variant (2).
Genome position (GRCh38, 1-based): chr2:8,789,975, C>A on the plus strand (G>T on the coding strand, the complement: KIDINS220 is on the minus strand). VCF-style: chr2-8789975-C-A. GRCh37 (hg19) VCF-style: chr2-8930105-C-A.
Other names: c.1529G>T, p.Cys510Phe (NM_001348729.2, NM_001348731.2, NM_001348734.2 and 3 more transcripts); c.1526G>T, p.Cys509Phe (NM_001348732.2, NM_001348735.2, NM_001348738.2 and 3 more transcripts); c.1400G>T, p.Cys467Phe (NM_001348736.2); short protein forms C509F, C467F, C510F.
Identifiers: ClinVar variation 4997317 (VCV004997317.1).